The following is an entry in ClinVar:

NM_000135.4(FANCA):c.2711A>G (p.Gln904Arg)

Gene: FANCA (FA complementation group A; minus strand). Cytogenetic location: 16q24.3.
Variant type: single nucleotide variant.
Coding change: c.2711A>G on transcript NM_000135.4 (MANE Select); coding-DNA position 2711, A replaced by G.
Protein change: p.Gln904Arg; replaces glutamine 904 with arginine.
Molecular consequence: missense variant.
Genome position (GRCh38, 1-based): chr16:89,764,957, T>C on the plus strand (A>G on the coding strand, the complement: FANCA is on the minus strand). VCF-style: chr16-89764957-T-C. GRCh37 (hg19) VCF-style: chr16-89831365-T-C.
Other names: c.2711A>G, p.Gln904Arg (NM_001286167.3); short protein forms Q904R.
Identifiers: ClinVar variation 1036767 (VCV001036767.8), dbSNP rs776576487, ClinGen allele CA8251588.
Genomic context (GRCh38, chr16:89,764,957, plus strand): 5'-TCTTCCTCTTTCAACACCTCTCGGAAGGTTCTGTGTGTCCAGAGAGAGAGGGCAGCTCTC[T>C]GCCAGTCTGCAGAAGGAAGGTGCAAGGGTCTCCAGGAAAGGCTGGCTACGTCCTCCTCAG-3'
Protein context (NP_000126.2, residues 894-914): RPLHLPSADW[Gln904Arg]RAALSLWTHR

ClinVar aggregate classification (germline): Uncertain significance (1 of 4 stars; one submission).

Conditions:
Fanconi anemia (FA). Also called: Fanconi's anemia. Identifiers: Orphanet 84, MedGen C0015625, MeSH D005199, MONDO:0019391.

Allele frequency attached by ClinVar (database versions not stated): gnomAD exomes below 0.00001; ExAC 0.00001.
gnomAD v4.1: 4 of 1,614,256 alleles (0.00025%); highest among the groups gnomAD compares: East Asian, 0.0022%; no homozygotes.

Submission:

Labcorp Genetics (formerly Invitae), Labcorp
Classification: Uncertain significance for Fanconi anemia. Last evaluated: 2022-08-19. Review status: criteria provided, single submitter. Criteria: Invitae Variant Classification Sherloc (09022015). Collection method: clinical testing. Allele origin: germline.
Comment: In summary, the available evidence is currently insufficient to determine the role of this variant in disease. Therefore, it has been classified as a Variant of Uncertain Significance. Advanced modeling of protein sequence and biophysical properties (such as structural, functional, and spatial information, amino acid conservation, physicochemical variation, residue mobility, and thermodynamic stability) performed at Invitae indicates that this missense variant is not expected to disrupt FANCA protein function. ClinVar contains an entry for this variant (Variation ID: 1036767). This variant has not been reported in the literature in individuals affected with FANCA-related conditions. This variant is present in population databases (rs776576487, gnomAD 0.003%). This sequence change replaces glutamine, which is neutral and polar, with arginine, which is basic and polar, at codon 904 of the FANCA protein (p.Gln904Arg).